The following is an entry in ClinVar:

ClinVar aggregate classification (germline): Conflicting classifications of pathogenicity. Review status: criteria provided, conflicting classifications (1 of 4 stars). 3 submissions from 3 submitters: Pathogenic (1); Uncertain significance (2). Last evaluated 2023-04-18.

Conditions:
Intellectual developmental disorder, autosomal recessive 37. Also called: Intellectual disability-hypotonia-spasticity-sleep disorder syndrome. Identifiers: Orphanet 356996, MedGen C3809672, MONDO:0014210, OMIM 615493.

Allele frequency attached by ClinVar (database versions not stated): TOPMed 0.00006; ESP Exome Variant Server 0.00008.
gnomAD v4.1: 16 of 1,613,998 alleles (0.00099%); highest among the groups gnomAD compares: Admixed American, 0.005%; no homozygotes.

Submissions (3):

Labcorp Genetics (formerly Invitae), Labcorp
Classification: Uncertain significance. Last evaluated: 2023-04-18. Review status: criteria provided, single submitter. Criteria: Invitae Variant Classification Sherloc (09022015). Collection method: clinical testing. Allele origin: germline.
Comment: Advanced modeling of protein sequence and biophysical properties (such as structural, functional, and spatial information, amino acid conservation, physicochemical variation, residue mobility, and thermodynamic stability) performed at Invitae indicates that this missense variant is not expected to disrupt ANK3 protein function. In summary, the available evidence is currently insufficient to determine the role of this variant in disease. Therefore, it has been classified as a Variant of Uncertain Significance. Experimental studies have shown that this missense change affects ANK3 function (PMID: 31451636). ClinVar contains an entry for this variant (Variation ID: 434160). This missense change has been observed in individual(s) with neurodevelopment disorders (PMID: 31451636). This variant is present in population databases (rs186051700, gnomAD 0.005%). This sequence change replaces lysine, which is basic and polar, with asparagine, which is neutral and polar, at codon 2864 of the ANK3 protein (p.Lys2864Asn).

Undiagnosed Diseases Network, NIH
Classification: Pathogenic for Intellectual developmental disorder, autosomal recessive 37. Last evaluated: 2022-06-15. Review status: criteria provided, single submitter. Criteria: ACMG Guidelines, 2015. Collection method: clinical testing. Allele origin: paternal. Affected: yes. Observed: 1 variant allele, 1 compound heterozygote. Study: Undiagnosed Diseases Network (NIH), UDN.
Comment: Functional studies proved missense was disruptive (PMID: 31451636).

Genetic Services Laboratory, University of Chicago
Classification: Uncertain significance. Last evaluated: 2016-07-19. Review status: criteria provided, single submitter. Criteria: ACMG Guidelines, 2015. Collection method: clinical testing. Allele origin: germline. Affected: no.

Literature cited by the submitters: PubMed 31451636 (cited by Labcorp Genetics (formerly Invitae), Labcorp).

NM_020987.5(ANK3):c.8592G>T (p.Lys2864Asn)

Gene: ANK3 (ankyrin 3; minus strand). Cytogenetic location: 10q21.2.
Variant type: single nucleotide variant.
Coding change: c.8592G>T on transcript NM_020987.5 (MANE Select); coding-DNA position 8592, G replaced by T.
Protein change: p.Lys2864Asn; replaces lysine 2864 with asparagine.
Molecular consequence: missense variant. On other transcripts: intron variant (4).
Genome position (GRCh38, 1-based): chr10:60,072,289, C>A on the plus strand (G>T on the coding strand, the complement: ANK3 is on the minus strand). VCF-style: chr10-60072289-C-A. GRCh37 (hg19) VCF-style: chr10-61832047-C-A.
Other names: p.Lys2864Asn; c.4388-4280G>T (NM_001204403.2); c.4409-4280G>T (NM_001204404.2); c.4406-4280G>T (NM_001320874.2); c.1808-4280G>T (NM_001149.4); short protein forms K2864N.
Identifiers: ClinVar variation 434160 (VCV000434160.11), dbSNP rs186051700, ClinGen allele CA5511523.
Genomic context (GRCh38, chr10:60,072,289, plus strand): 5'-ACCAATGTGATTCTCTCTTACATCATGAACAAGTACATGCGAAAGTTTTTCTTTCTGAGA[C>A]TTATTGTTAGTGGCTCCCGAACTCTCCCATGTTCTAAAGACCTTTTTGTCCCATGGTCCC-3'
Protein context (NP_066267.2, residues 2854-2874): TWESSGATNN[Lys2864Asn]SQKEKLSHVL